The following is an entry in ClinVar:

NM_000085.5(CLCNKB):c.1521_1529delinsT (p.Ala508fs)

Genes: CLCNKB (chloride voltage-gated channel Kb; plus strand), LOC106501713 (CLCNKB recombination region; plus strand). Cytogenetic location: 1p36.13.
Variant type: Indel.
Coding change: c.1521_1529delinsT on transcript NM_000085.5 (MANE Select); coding-DNA positions 1521 to 1529, AGCCAACGC replaced by T.
Protein change: p.Ala508fs; shifts the reading frame from alanine 508.
Molecular consequence: frameshift variant.
Genome position (GRCh38, 1-based): chr1:16,052,310-16,052,318, AGCCAACGC replaced by T. VCF-style: chr1-16052310-AGCCAACGC-T. GRCh37 (hg19) VCF-style: chr1-16378805-AGCCAACGC-T.
Other names: c.1014_1022delinsT, p.Ala339fs (NM_001165945.2); short protein forms A339fs, A508fs.
Identifiers: ClinVar variation 4686746 (VCV004686746.1).

ClinVar aggregate classification (germline): Pathogenic (1 of 4 stars; one submission).

Submission:

GeneDx
Classification: Pathogenic. Last evaluated: 2025-07-22. Review status: criteria provided, single submitter. Criteria: GeneDx Variant Classification Process June 2021. Collection method: clinical testing. Allele origin: germline. Affected: yes.
Comment: Frameshift variant predicted to result in protein truncation or nonsense mediated decay in a gene for which loss of function is a known mechanism of disease; Not observed at significant frequency in large population cohorts (gnomAD); Has not been previously published as pathogenic or benign to our knowledge